The following is an entry in ClinVar:

NM_012186.3(FOXE3):c.140G>T (p.Gly47Val)

Genes: FOXE3 (forkhead box E3; plus strand), LINC01389 (long intergenic non-protein coding RNA 1389; minus strand). Cytogenetic location: 1p33.
Variant type: single nucleotide variant.
Coding change: c.140G>T on transcript NM_012186.3 (MANE Select); coding-DNA position 140, G replaced by T.
Protein change: p.Gly47Val; replaces glycine 47 with valine.
Molecular consequence: missense variant.
Genome position (GRCh38, 1-based): chr1:47,416,455, G>T. VCF-style: chr1-47416455-G-T. GRCh37 (hg19) VCF-style: chr1-47882127-G-T.
Other names: short protein forms G47V.
Identifiers: ClinVar variation 1771996 (VCV001771996.2), dbSNP rs2521315916, ClinGen allele CA340249116.

ClinVar aggregate classification (germline): Uncertain significance (1 of 4 stars; one submission).

Conditions:
Cardiovascular phenotype. Identifiers: MedGen CN230736.

Submission:

Ambry Genetics
Classification: Uncertain significance for Cardiovascular phenotype. Last evaluated: 2021-06-23. Review status: criteria provided, single submitter. Criteria: Ambry Variant Classification Scheme 2023. Collection method: clinical testing. Allele origin: germline.
Comment: The p.G47V variant (also known as c.140G>T), located in coding exon 1 of the FOXE3 gene, results from a G to T substitution at nucleotide position 140. The glycine at codon 47 is replaced by valine, an amino acid with dissimilar properties. This amino acid position is conserved. In addition, this alteration is predicted to be tolerated by in silico analysis. Since supporting evidence is limited at this time, the clinical significance of this alteration remains unclear.